The following is an entry in ClinVar:

ClinVar aggregate classification (germline): Uncertain significance (1 of 4 stars; one submission).

Conditions:
Spinocerebellar ataxia type 19/22 (SCA19). Also called: SPINOCEREBELLAR ATAXIA 19; SPINOCEREBELLAR ATAXIA 22. Identifiers: Orphanet 98772, MedGen C1846367, MONDO:0011819, OMIM 607346.

Submission:

Labcorp Genetics (formerly Invitae), Labcorp
Classification: Uncertain significance for Spinocerebellar ataxia type 19/22. Last evaluated: 2025-08-24. Review status: criteria provided, single submitter. Criteria: Invitae Variant Classification Sherloc (09022015). Collection method: clinical testing. Allele origin: germline.
Comment: This sequence change replaces proline, which is neutral and non-polar, with leucine, which is neutral and non-polar, at codon 28 of the KCND3 protein (p.Pro28Leu). This variant is not present in population databases (gnomAD no frequency). This variant has not been reported in the literature in individuals affected with KCND3-related conditions. Invitae Evidence Modeling of protein sequence and biophysical properties (such as structural, functional, and spatial information, amino acid conservation, physicochemical variation, residue mobility, and thermodynamic stability) has been performed for this missense variant. However, the output from this modeling did not meet the statistical confidence thresholds required to predict the impact of this variant on KCND3 protein function. In summary, the available evidence is currently insufficient to determine the role of this variant in disease. Therefore, it has been classified as a Variant of Uncertain Significance.

NM_001378969.1(KCND3):c.83C>T (p.Pro28Leu)

Gene: KCND3 (potassium voltage-gated channel subfamily D member 3; minus strand). Cytogenetic location: 1p13.2.
Variant type: single nucleotide variant.
Coding change: c.83C>T on transcript NM_001378969.1 (MANE Select); coding-DNA position 83, C replaced by T.
Protein change: p.Pro28Leu; replaces proline 28 with leucine.
Molecular consequence: missense variant.
Genome position (GRCh38, 1-based): chr1:111,982,644, G>A on the plus strand (C>T on the coding strand, the complement: KCND3 is on the minus strand). VCF-style: chr1-111982644-G-A. GRCh37 (hg19) VCF-style: chr1-112525266-G-A.
Other names: c.83C>T, p.Pro28Leu (NM_001378970.1, NM_004980.5, NM_172198.3); short protein forms P28L.
Identifiers: ClinVar variation 4741722 (VCV004741722.1).